The following is an entry in ClinVar:

NM_005251.3(FOXC2):c.941G>A (p.Gly314Asp)

Gene: FOXC2 (forkhead box C2; plus strand). Cytogenetic location: 16q24.1.
Variant type: single nucleotide variant.
Coding change: c.941G>A on transcript NM_005251.3 (MANE Select); coding-DNA position 941, G replaced by A.
Protein change: p.Gly314Asp; replaces glycine 314 with aspartic acid.
Molecular consequence: missense variant.
Genome position (GRCh38, 1-based): chr16:86,568,276, G>A. VCF-style: chr16-86568276-G-A. GRCh37 (hg19) VCF-style: chr16-86601882-G-A.
Other names: short protein forms G314D.
Identifiers: ClinVar variation 2216997 (VCV002216997.5), dbSNP rs760918154, ClinGen allele CA8218409.
Genomic context (GRCh38, chr16:86,568,276, plus strand): 5'-CGGGCCTGGTGGTGCCGCCGCTGGCGCTGCCCTACGCCGCCGCGCCGCCCGCCGCCTACG[G>A]CCAGCCGTGCGCTCAGGGCCTGGAGGCCGGGGCCGCCGGGGGCTACCAGTGCAGCATGCG-3'
Protein context (NP_005242.1, residues 304-324): PYAAAPPAAY[Gly314Asp]QPCAQGLEAG

ClinVar aggregate classification (germline): Uncertain significance. Review status: criteria provided, multiple submitters, no conflicts (2 of 4 stars). 2 submissions from 2 submitters: Uncertain significance (2). Last evaluated 2025-07-24.

Conditions:
Inborn genetic diseases. Identifiers: MedGen C0950123, MeSH D030342.

Allele frequency attached by ClinVar (database versions not stated): gnomAD 0.00010; ExAC 0.00207; TOPMed 0.00009; gnomAD exomes 0.00054.

Submissions (2):

Labcorp Genetics (formerly Invitae), Labcorp
Classification: Uncertain significance. Last evaluated: 2025-07-24. Review status: criteria provided, single submitter. Criteria: Invitae Variant Classification Sherloc (09022015). Collection method: clinical testing. Allele origin: germline.
Comment: This sequence change replaces glycine, which is neutral and non-polar, with aspartic acid, which is acidic and polar, at codon 314 of the FOXC2 protein (p.Gly314Asp). The frequency data for this variant in the population databases is considered unreliable, as metrics indicate poor data quality at this position in the gnomAD database. This variant has not been reported in the literature in individuals affected with FOXC2-related conditions. ClinVar contains an entry for this variant (Variation ID: 2216997). An algorithm developed to predict the effect of missense changes on protein structure and function (PolyPhen-2) suggests that this variant is likely to be tolerated. In summary, the available evidence is currently insufficient to determine the role of this variant in disease. Therefore, it has been classified as a Variant of Uncertain Significance.

Ambry Genetics
Classification: Uncertain significance for Inborn genetic diseases. Last evaluated: 2021-10-20. Review status: criteria provided, single submitter. Criteria: Ambry Variant Classification Scheme 2023. Collection method: clinical testing. Allele origin: germline.